The following is an entry in ClinVar:

ClinVar aggregate classification (germline): Uncertain significance (1 of 4 stars; one submission).

Conditions:
Developmental and epileptic encephalopathy, 53. Also called: Epileptic encephalopathy, early infantile, 53. Identifiers: MedGen C4479313, MONDO:0033362, OMIM 617389.
Early-onset Parkinson disease 20. Also called: PARKINSON DISEASE 20, AUTOSOMAL RECESSIVE EARLY-ONSET. Identifiers: Orphanet 391411, MedGen C3809824, MONDO:0014233, OMIM 615530.

Submission:

Labcorp Genetics (formerly Invitae), Labcorp
Classification: Uncertain significance for Developmental and epileptic encephalopathy, 53; Early-onset Parkinson disease 20. Last evaluated: 2021-09-04. Review status: criteria provided, single submitter. Criteria: Invitae Variant Classification Sherloc (09022015). Collection method: clinical testing. Allele origin: germline.
Comment: This sequence change replaces cysteine with serine at codon 1570 of the SYNJ1 protein (p.Cys1570Ser). The cysteine residue is weakly conserved and there is a moderate physicochemical difference between cysteine and serine. This variant is not present in population databases (ExAC no frequency). This variant has not been reported in the literature in individuals affected with SYNJ1-related conditions. Algorithms developed to predict the effect of missense changes on protein structure and function output the following: SIFT: "Tolerated"; PolyPhen-2: "Benign"; Align-GVGD: "Class C0". The serine amino acid residue is found in multiple mammalian species, which suggests that this missense change does not adversely affect protein function. Algorithms developed to predict the effect of sequence changes on RNA splicing suggest that this variant may create or strengthen a splice site. In summary, the available evidence is currently insufficient to determine the role of this variant in disease. Therefore, it has been classified as a Variant of Uncertain Significance.

NM_203446.3(SYNJ1):c.*679T>A

Gene: SYNJ1 (synaptojanin 1; minus strand). Cytogenetic location: 21q22.11.
Variant type: single nucleotide variant.
Coding change: c.*679T>A on transcript NM_203446.3 (MANE Select); 679 bases downstream of the stop codon, T replaced by A.
Molecular consequence: 3 prime UTR variant. On other transcripts: missense variant (2).
Genome position (GRCh38, 1-based): chr21:32,631,126, A>T on the plus strand (T>A on the coding strand, the complement: SYNJ1 is on the minus strand). VCF-style: chr21-32631126-A-T. GRCh37 (hg19) VCF-style: chr21-34003436-A-T.
Other names: c.*679T>A (NM_001160302.2); c.4450T>A, p.Cys1484Ser (NM_001160306.2); c.4708T>A, p.Cys1570Ser (NM_003895.4); short protein forms C1484S, C1570S.
Identifiers: ClinVar variation 1379613 (VCV001379613.6), dbSNP rs2145655207, ClinGen allele CA410080940.